The following is an entry in ClinVar:

ClinVar aggregate classification (germline): Benign/Likely benign. Review status: criteria provided, multiple submitters, no conflicts (2 of 4 stars). 3 submissions from 3 submitters: Benign (1); Likely benign (2). Last evaluated 2026-02-03.

Allele frequency attached by ClinVar (database versions not stated): gnomAD exomes 0.00004 and 0.00008; ExAC 0.00012; ESP Exome Variant Server 0.00015; 1000 Genomes Project 30x 0.00016; 1000 Genomes Project 0.00020; gnomAD 0.00021 and 0.00026; TOPMed 0.00024.
gnomAD v4.1: 103 of 1,614,152 alleles (0.0064%); highest among the groups gnomAD compares: African/African-American, 0.069%; no homozygotes.

Submissions (3):

Labcorp Genetics (formerly Invitae), Labcorp
Classification: Benign. Last evaluated: 2026-02-03. Review status: criteria provided, single submitter. Criteria: Invitae Variant Classification Sherloc (09022015). Collection method: clinical testing. Allele origin: germline.

Blueprint Genetics
Classification: Likely benign. Last evaluated: 2024-11-11. Review status: criteria provided, single submitter. Criteria: ACMG Guidelines, 2015. Collection method: clinical testing. Allele origin: germline.

CeGaT Center for Human Genetics Tuebingen
Classification: Likely benign. Last evaluated: 2024-09-01. Review status: criteria provided, single submitter. Criteria: CeGaT Center For Human Genetics Tuebingen Variant Classification Criteria Version 2. Collection method: clinical testing. Allele origin: germline. Affected: yes. Observed: 1 variant allele.
Comment: GNB1: BP4, BP7

NM_002074.5(GNB1):c.885C>T (p.Asn295=)

Gene: GNB1 (G protein subunit beta 1; minus strand). Cytogenetic location: 1p36.33.
Variant type: single nucleotide variant.
Coding change: c.885C>T on transcript NM_002074.5 (MANE Select); coding-DNA position 885, C replaced by T.
Protein change: p.Asn295=; no amino-acid change (asparagine 295 retained).
Molecular consequence: synonymous variant.
Genome position (GRCh38, 1-based): chr1:1,789,084, G>A on the plus strand (C>T on the coding strand, the complement: GNB1 is on the minus strand). VCF-style: chr1-1789084-G-A. GRCh37 (hg19) VCF-style: chr1-1720523-G-A.
Other names: c.585C>T, p.Asn195= (NM_001282538.2); c.885C>T, p.Asn295= (NM_001282539.2).
Identifiers: ClinVar variation 1166495 (VCV001166495.22), dbSNP rs148709494, ClinGen allele CA531923.